The following is an entry in ClinVar:

ClinVar aggregate classification (germline): Benign/Likely benign. Review status: criteria provided, multiple submitters, no conflicts (2 of 4 stars). 3 submissions from 3 submitters: Benign (1); Likely benign (2). Last evaluated 2025-12-22.

Conditions:
Spastic paraplegia. Identifiers: MedGen C0037772, HP:0001258.

Allele frequency attached by ClinVar (database versions not stated): gnomAD exomes 0.00007 and 0.00017; ExAC 0.00010; 1000 Genomes Project 30x 0.00016; 1000 Genomes Project 0.00020; ESP Exome Variant Server 0.00031; gnomAD 0.00032; TOPMed 0.00060.

Submissions (3):

Labcorp Genetics (formerly Invitae), Labcorp
Classification: Benign for Spastic paraplegia. Last evaluated: 2025-12-22. Review status: criteria provided, single submitter. Criteria: Invitae Variant Classification Sherloc (09022015). Collection method: clinical testing. Allele origin: germline.

Blueprint Genetics
Classification: Likely benign. Last evaluated: 2024-10-09. Review status: criteria provided, single submitter. Criteria: ACMG Guidelines, 2015. Collection method: clinical testing. Allele origin: germline.

GeneDx
Classification: Likely benign. Last evaluated: 2017-05-30. Review status: criteria provided, single submitter. Criteria: GeneDx Variant Classification (06012015). Collection method: clinical testing. Allele origin: germline. Affected: yes.
Comment: This variant is considered likely benign or benign based on one or more of the following criteria: it is a conservative change, it occurs at a poorly conserved position in the protein, it is predicted to be benign by multiple in silico algorithms, and/or has population frequency not consistent with disease.

NM_005619.5(RTN2):c.1241+12C>T

Genes: OPA3-RTN2 (OPA3-RTN2 readthrough; minus strand), RTN2 (reticulon 2; minus strand). Cytogenetic location: 19q13.32.
Variant type: single nucleotide variant.
Coding change: c.1241+12C>T on transcript NM_005619.5 (MANE Select); 12 bases into the intron after coding-DNA position 1241, C replaced by T.
Molecular consequence: intron variant.
Genome position (GRCh38, 1-based): chr19:45,489,334, G>A on the plus strand (C>T on the coding strand, the complement: RTN2 is on the minus strand). VCF-style: chr19-45489334-G-A. GRCh37 (hg19) VCF-style: chr19-45992592-G-A.
Other names: c.1022+12C>T (NM_206900.3); c.221+12C>T (NM_206901.3).
Identifiers: ClinVar variation 509720 (VCV000509720.10), dbSNP rs185630222, ClinGen allele CA9516050.